The following is an entry in ClinVar:

NM_177438.3(DICER1):c.834T>G (p.Leu278=)

Gene: DICER1 (dicer 1, ribonuclease III; minus strand). Cytogenetic location: 14q32.13.
Variant type: single nucleotide variant.
Coding change: c.834T>G on transcript NM_177438.3 (MANE Select); coding-DNA position 834, T replaced by G.
Protein change: p.Leu278=; no amino-acid change (leucine 278 retained).
Molecular consequence: synonymous variant.
Genome position (GRCh38, 1-based): chr14:95,126,649, A>C on the plus strand (T>G on the coding strand, the complement: DICER1 is on the minus strand). VCF-style: chr14-95126649-A-C. GRCh37 (hg19) VCF-style: chr14-95592986-A-C.
Other names: c.834T>G, p.Leu278= (NM_001195573.1, NM_001271282.3, NM_001291628.2 and 1 more transcripts).
Identifiers: ClinVar variation 822324 (VCV000822324.10), dbSNP rs1222141030, ClinGen allele CA487633548.
Genomic context (GRCh38, chr14:95,126,649, plus strand): 5'-AATTAAAGTAGAATCTCTTTCTTTTGAATGTACAGATATATTACAATCATTGATAAAATT[A>C]AGTGCTTCTTCTAATTCCATCAGCAGTCTTTCATAAAGCCCACTTCTGTCAGTAAATGGT-3'
Protein context (NP_803187.1, residues 268-288): ERLLMELEEA[Leu278=]NFINDCNISV

ClinVar aggregate classification (germline): Benign/Likely benign. Review status: criteria provided, multiple submitters, no conflicts (2 of 4 stars). 3 submissions from 3 submitters: Benign (1); Likely benign (2). Last evaluated 2026-08-18.

Conditions:
DICER1-related tumor predisposition. Also called: DICER1 syndrome; DICER1-related pleuropulmonary blastoma cancer predisposition syndrome. Identifiers: Orphanet 284343, MedGen C3839822, MONDO:0100216.
Hereditary cancer-predisposing syndrome. Also called: Hereditary neoplastic syndrome; Neoplastic Syndromes, Hereditary; Tumor predisposition; Hereditary Cancer Syndrome. Identifiers: Orphanet 140162, MedGen C0027672, MeSH D009386, MONDO:0015356.

Allele frequency attached by ClinVar (database versions not stated): TOPMed below 0.00001; gnomAD exomes below 0.00001.
gnomAD v4.1: 1 of 1,578,928 alleles (0.000063%); highest among the groups gnomAD compares: Admixed American, 0.0017%; no homozygotes.

Submissions (3):

Myriad Genetics, Inc.
Classification: Benign for DICER1-related tumor predisposition. Last evaluated: 2026-08-18. Review status: criteria provided, single submitter. Criteria: Myriad Autosomal Dominant, Autosomal Recessive and X-Linked Classification Criteria (2023). Collection method: clinical testing. Allele origin: unknown.
Comment: This variant is considered benign. This variant is a silent/synonymous amino acid change and it is not expected to impact splicing.

Labcorp Genetics (formerly Invitae), Labcorp
Classification: Likely benign for DICER1-related tumor predisposition. Last evaluated: 2025-11-05. Review status: criteria provided, single submitter. Criteria: Invitae Variant Classification Sherloc (09022015). Collection method: clinical testing. Allele origin: germline.

Ambry Genetics
Classification: Likely benign for Hereditary cancer-predisposing syndrome. Last evaluated: 2018-11-13. Review status: criteria provided, single submitter. Criteria: Ambry Variant Classification Scheme 2023. Collection method: clinical testing. Allele origin: germline.